The following is an entry in ClinVar:

ClinVar aggregate classification (germline): Uncertain significance. Review status: criteria provided, multiple submitters, no conflicts (2 of 4 stars). 2 submissions from 2 submitters: Uncertain significance (2). Last evaluated 2025-08-11.

Conditions:
Cardiovascular phenotype. Identifiers: MedGen CN230736.
Hypertrophic cardiomyopathy. Also called: HYPERTROPHIC MYOCARDIOPATHY. Identifiers: Orphanet 217569, MedGen C0007194, MeSH D002312, MONDO:0005045, HP:0001639.

Submissions (2):

Labcorp Genetics (formerly Invitae), Labcorp
Classification: Uncertain significance for Hypertrophic cardiomyopathy. Last evaluated: 2025-08-11. Review status: criteria provided, single submitter. Criteria: Invitae Variant Classification Sherloc (09022015). Collection method: clinical testing. Allele origin: germline.
Comment: This sequence change replaces cysteine, which is neutral and slightly polar, with arginine, which is basic and polar, at codon 788 of the MYBPC3 protein (p.Cys788Arg). This variant is not present in population databases (gnomAD no frequency). This variant has not been reported in the literature in individuals affected with MYBPC3-related conditions. ClinVar contains an entry for this variant (Variation ID: 3230875). An algorithm developed to predict the effect of missense changes on protein structure and function (PolyPhen-2) suggests that this variant is likely to be disruptive. In summary, the available evidence is currently insufficient to determine the role of this variant in disease. Therefore, it has been classified as a Variant of Uncertain Significance.

Ambry Genetics
Classification: Uncertain significance for Cardiovascular phenotype. Last evaluated: 2024-03-11. Review status: criteria provided, single submitter. Criteria: Ambry Variant Classification Scheme 2023. Collection method: clinical testing. Allele origin: germline.
Comment: The p.C788R variant (also known as c.2362T>C), located in coding exon 24 of the MYBPC3 gene, results from a T to C substitution at nucleotide position 2362. The cysteine at codon 788 is replaced by arginine, an amino acid with highly dissimilar properties. This amino acid position is conserved. In addition, this alteration is predicted to be deleterious by in silico analysis. Based on the available evidence, the clinical significance of this alteration remains unclear.

NM_000256.3(MYBPC3):c.2362T>C (p.Cys788Arg)

Gene: MYBPC3 (myosin binding protein C3; minus strand). Cytogenetic location: 11p11.2.
Variant type: single nucleotide variant.
Coding change: c.2362T>C on transcript NM_000256.3 (MANE Select); coding-DNA position 2362, T replaced by C.
Protein change: p.Cys788Arg; replaces cysteine 788 with arginine.
Molecular consequence: missense variant.
Genome position (GRCh38, 1-based): chr11:47,337,741, A>G on the plus strand (T>C on the coding strand, the complement: MYBPC3 is on the minus strand). VCF-style: chr11-47337741-A-G. GRCh37 (hg19) VCF-style: chr11-47359292-A-G.
Other names: short protein forms C788R.
Identifiers: ClinVar variation 3230875 (VCV003230875.2), dbSNP rs2495750449, ClinGen allele CA380318816.